The following is an entry in ClinVar:

NM_001267550.2(TTN):c.74829T>G (p.Tyr24943Ter)

Genes: TTN (titin; minus strand), TTN-AS1 (TTN antisense RNA 1; plus strand). Cytogenetic location: 2q31.2.
Variant type: single nucleotide variant.
Coding change: c.74829T>G on transcript NM_001267550.2 (MANE Select); coding-DNA position 74829, T replaced by G.
Protein change: p.Tyr24943Ter; replaces tyrosine 24943 with a stop codon.
Molecular consequence: nonsense. On other transcripts: non-coding transcript variant (1).
Genome position (GRCh38, 1-based): chr2:178,571,303, A>C on the plus strand (T>G on the coding strand, the complement: TTN is on the minus strand). VCF-style: chr2-178571303-A-C. GRCh37 (hg19) VCF-style: chr2-179436030-A-C.
Other names: c.69906T>G, p.Tyr23302Ter (NM_001256850.1); c.47634T>G, p.Tyr15878Ter (NM_003319.4); c.67125T>G, p.Tyr22375Ter (NM_133378.4); c.48009T>G, p.Tyr16003Ter (NM_133432.3); c.48210T>G, p.Tyr16070Ter (NM_133437.4); c.74829T>G (NM_001267550.1); short protein forms Y23302*, Y24943*, Y15878*, Y16070*, Y22375*, Y16003*.
Identifiers: ClinVar variation 523908 (VCV000523908.4), dbSNP rs1553604563, ClinGen allele CA349630890.
Genomic context (GRCh38, chr2:178,571,303, plus strand): 5'-AATAGGTGTTTTATTCAACTTAACCCAGAGGATGCTATTTCTTTCCTTGCGTTCTAGATG[A>C]TAGCCAATGACTCTACTTCCTCCATCACTGATTGGCTCATTCCATTGTACTTCCATGCTG-3'

ClinVar aggregate classification (germline): Likely pathogenic (1 of 4 stars; one submission).

Submission:

GeneDx
Classification: Likely pathogenic. Last evaluated: 2022-05-02. Review status: criteria provided, single submitter. Criteria: GeneDx Variant Classification Process June 2021. Collection method: clinical testing. Allele origin: germline. Affected: yes.
Comment: Nonsense variant predicted to result in protein truncation or nonsense mediated decay in a gene for which loss of function is a known mechanism of disease; Not observed at significant frequency in large population cohorts (gnomAD); Has not been previously published as pathogenic or benign to our knowledge; This variant is associated with the following publications: (PMID: 22335739)